The following is an entry in ClinVar:

ClinVar aggregate classification (germline): Uncertain significance (1 of 4 stars; one submission).

gnomAD v4.1: 3 of 1,613,556 alleles (0.00019%); highest among the groups gnomAD compares: African/African-American, 0.0027%; no homozygotes.

Submission:

GeneDx
Classification: Uncertain significance. Last evaluated: 2024-10-12. Review status: criteria provided, single submitter. Criteria: GeneDx Variant Classification Process June 2021. Collection method: clinical testing. Allele origin: germline. Affected: yes.
Comment: Not observed at significant frequency in large population cohorts (gnomAD); In silico analysis supports that this missense variant has a deleterious effect on protein structure/function; Has not been previously published as pathogenic or benign to our knowledge

NM_000170.3(GLDC):c.430C>A (p.Pro144Thr)

Gene: GLDC (glycine decarboxylase; minus strand). Cytogenetic location: 9p24.1.
Variant type: single nucleotide variant.
Coding change: c.430C>A on transcript NM_000170.3 (MANE Select); coding-DNA position 430, C replaced by A.
Protein change: p.Pro144Thr; replaces proline 144 with threonine.
Molecular consequence: missense variant.
Genome position (GRCh38, 1-based): chr9:6,620,224, G>T on the plus strand (C>A on the coding strand, the complement: GLDC is on the minus strand). VCF-style: chr9-6620224-G-T. GRCh37 (hg19) VCF-style: chr9-6620224-G-T.
Other names: short protein forms P144T.
Identifiers: ClinVar variation 3777615 (VCV003777615.1).